The following is an entry in ClinVar:

NM_201384.3(PLEC):c.13248G>A (p.Thr4416=)

Gene: PLEC (plectin; minus strand). Cytogenetic location: 8q24.3.
Variant type: single nucleotide variant.
Coding change: c.13248G>A on transcript NM_201384.3 (MANE Select); coding-DNA position 13248, G replaced by A.
Protein change: p.Thr4416=; no amino-acid change (threonine 4416 retained).
Molecular consequence: synonymous variant.
Genome position (GRCh38, 1-based): chr8:143,916,573, C>T on the plus strand (G>A on the coding strand, the complement: PLEC is on the minus strand). VCF-style: chr8-143916573-C-T. GRCh37 (hg19) VCF-style: chr8-144990741-C-T.
Other names: c.13329G>A, p.Thr4443= (NM_000445.5); c.13206G>A, p.Thr4402= (NM_201378.4); c.13182G>A, p.Thr4394= (NM_201379.3); c.13659G>A, p.Thr4553= (NM_201380.4); c.13152G>A, p.Thr4384= (NM_201381.3); c.13248G>A, p.Thr4416= (NM_201382.4); c.13260G>A, p.Thr4420= (NM_201383.3).
Identifiers: ClinVar variation 227017 (VCV000227017.21), dbSNP rs115621402, ClinGen allele CA4923868.

ClinVar aggregate classification (germline): Benign. Review status: criteria provided, multiple submitters, no conflicts (2 of 4 stars). 5 submissions from 5 submitters: Benign (5). Last evaluated 2026-02-01.

Conditions:
Autosomal recessive limb-girdle muscular dystrophy type 2Q (LGMDR17). Also called: MUSCULAR DYSTROPHY, LIMB-GIRDLE, AUTOSOMAL RECESSIVE 17. Identifiers: Orphanet 254361, MedGen C3150989, MONDO:0013390, OMIM 613723.
Epidermolysis bullosa simplex, Ogna type (EBS5A). Also called: Pidermolysis bullosa simplex 5A, Ogna type; EPIDERMOLYSIS BULLOSA SIMPLEX 5A, OGNA TYPE. Identifiers: Orphanet 79401, MedGen C0432317, MONDO:0007555, OMIM 131950.
Epidermolysis bullosa simplex 5C, with pyloric atresia (EBS5C). Also called: PLEC-Related Epidermolysis Bullosa with Pyloric Atresia; Epidermolysis bullosa simplex with pyloric atresia; PLEC1-Related Epidermolysis Bullosa with Pyloric Atresia. Identifiers: Orphanet 158684, MedGen C2677349, MONDO:0012807, OMIM 612138.
Epidermolysis bullosa simplex 5B, with muscular dystrophy (EBS5B). Also called: Epidermolysis bullosa simplex with muscular dystrophy; EPIDERMOLYSIS BULLOSA SIMPLEX AND LIMB-GIRDLE MUSCULAR DYSTROPHY. Identifiers: Orphanet 257, MedGen C2931072, MONDO:0009181, OMIM 226670.
Epidermolysis bullosa simplex with nail dystrophy (EBS5D). Identifiers: MedGen C4225309, MONDO:0014661, OMIM 616487.

Allele frequency attached by ClinVar (database versions not stated): gnomAD exomes 0.00123; ExAC 0.00152; gnomAD 0.00432 and 0.00455; 1000 Genomes Project 0.00459; ESP Exome Variant Server 0.00460; 1000 Genomes Project 30x 0.00468; TOPMed 0.00487.
gnomAD v4.1: 1,311 of 1,611,542 alleles (0.081%); highest among the groups gnomAD compares: African/African-American, 1.5%; 11 homozygotes.

Submissions (5):

Labcorp Genetics (formerly Invitae), Labcorp
Classification: Benign for Autosomal recessive limb-girdle muscular dystrophy type 2Q; Epidermolysis bullosa simplex, Ogna type; Epidermolysis bullosa simplex with nail dystrophy; Epidermolysis bullosa simplex 5C, with pyloric atresia; Epidermolysis bullosa simplex 5B, with muscular dystrophy. Last evaluated: 2026-02-01. Review status: criteria provided, single submitter. Criteria: Invitae Variant Classification Sherloc (09022015). Collection method: clinical testing. Allele origin: germline.

Athena Diagnostics
Classification: Benign. Last evaluated: 2018-03-21. Review status: criteria provided, single submitter. Criteria: Athena Diagnostics Criteria. Collection method: clinical testing. Allele origin: germline.

GeneDx
Classification: Benign. Last evaluated: 2016-08-31. Review status: criteria provided, single submitter. Criteria: GeneDx Variant Classification (06012015). Collection method: clinical testing. Allele origin: germline. Affected: yes.
Comment: This variant is considered likely benign or benign based on one or more of the following criteria: it is a conservative change, it occurs at a poorly conserved position in the protein, it is predicted to be benign by multiple in silico algorithms, and/or has population frequency not consistent with disease.

Laboratory for Molecular Medicine, Mass General Brigham Personalized Medicine
Classification: Benign. Last evaluated: 2014-11-24. Review status: criteria provided, single submitter. Criteria: LMM Criteria. Collection method: clinical testing. Allele origin: germline. Observed: 1 variant allele.
Comment: Thr4553Thr in exon 32 of PLEC: This variant is not expected to have clinical sig nificance because it does not alter an amino acid residue and is not located wit hin the splice consensus sequence. It has been identified in 1.4% (56/3946) of A frican American chromosomes from a broad population by the NHLBI Exome Sequencin g Project (dbSNP rs115621402).

Breakthrough Genomics
Classification: Benign. Review status: criteria provided, single submitter. Criteria: ACMG Guidelines, 2015. Collection method: not provided. Allele origin: germline. Inheritance: Autosomal recessive inheritance. Affected: yes.